The following is an entry in ClinVar:

ClinVar aggregate classification (germline): Uncertain significance. Review status: criteria provided, multiple submitters, no conflicts (2 of 4 stars). 2 submissions from 2 submitters: Uncertain significance (2). Last evaluated 2025-10-24.

gnomAD v4.1: 2 of 1,613,642 alleles (0.00012%); highest among the groups gnomAD compares: African/African-American, 0.0013%; no homozygotes.

Submissions (3):

Women's Health and Genetics/Laboratory Corporation of America, LabCorp
Classification: Uncertain significance. Last evaluated: 2025-10-24. Review status: criteria provided, single submitter. Criteria: LabCorp Variant Classification Summary - May 2015. Collection method: clinical testing. Allele origin: germline.
Comment: Variant summary: ADAMTSL4 c.2559G>A (p.Lys853Lys) alters a non-conserved nucleotide located close to a canonical splice site and therefore could affect mRNA splicing, leading to a significantly altered protein sequence. Several computational tools predict a significant impact on normal splicing: Four predict the variant weakens a 5' donor site. One predicts the variant strengthens a cryptic 5' donor site. However, these predictions have yet to be confirmed by functional studies. The variant allele was found at a frequency of 4e-06 in 250564 control chromosomes. The available data on variant occurrences in the general population are insufficient to allow any conclusion about variant significance. To our knowledge, no occurrence of c.2559G>A in individuals affected with ADAMTSL4-related conditions and no experimental evidence demonstrating its impact on protein function have been reported. The following publications have been ascertained in the context of this evaluation (PMID: 36747048, 34663891, 32123317). No submitters have cited clinical-significance assessments for this variant to ClinVar. Based on the evidence outlined above, the variant was classified as uncertain significance.

Blueprint Genetics
Classification: Uncertain significance. Last evaluated: 2020-10-30. Review status: criteria provided, single submitter. Criteria: ACMG Guidelines, 2015. Collection method: clinical testing. Allele origin: germline.

Dr. Peter K. Rogan Lab, Western University
No classification provided (evidence only). Condition: Lung cancer. Review status: no classification provided. Collection method: in vitro. Allele origin: not applicable. Functional consequence: skipped exon, retained intron. Not counted in ClinVar's aggregate classification.

Literature cited by the submitters: PubMed 32123317 (cited by Women's Health and Genetics/Laboratory Corporation of America, LabCorp); PubMed 34663891 (cited by Women's Health and Genetics/Laboratory Corporation of America, LabCorp); PubMed 36747048 (cited by Women's Health and Genetics/Laboratory Corporation of America, LabCorp).

NM_019032.6(ADAMTSL4):c.2559G>A (p.Lys853=)

Gene: ADAMTSL4 (ADAMTS like 4; plus strand). Cytogenetic location: 1q21.2.
Variant type: single nucleotide variant.
Coding change: c.2559G>A on transcript NM_019032.6 (MANE Select); coding-DNA position 2559, G replaced by A.
Protein change: p.Lys853=; no amino-acid change (lysine 853 retained).
Molecular consequence: synonymous variant.
Genome position (GRCh38, 1-based): chr1:150,558,649, G>A. VCF-style: chr1-150558649-G-A. GRCh37 (hg19) VCF-style: chr1-150531125-G-A.
Other names: NC_000001.10:g.150531125G>A; c.2442G>A, p.Lys814= (NM_001288607.2); c.2628G>A, p.Lys876= (NM_001288608.2); c.2559G>A, p.Lys853= (NM_001378596.1, NM_025008.5).
Identifiers: ClinVar variation 4512824 (VCV004512824.3).